The following is an entry in ClinVar:

ClinVar aggregate classification (germline): Uncertain significance (1 of 4 stars; one submission).

Submission:

GeneDx
Classification: Uncertain significance. Last evaluated: 2020-06-24. Review status: criteria provided, single submitter. Criteria: GeneDx Variant Classification Process June 2021. Collection method: clinical testing. Allele origin: germline. Affected: yes.
Comment: Has not been previously published as pathogenic or benign to our knowledge; Not observed in large population cohorts (Lek et al., 2016); In silico analysis supports that this missense variant has a deleterious effect on protein structure/function

NM_017534.6(MYH2):c.760C>A (p.His254Asn)

Genes: MYH2 (myosin heavy chain 2; minus strand), MYHAS (myosin heavy chain gene cluster antisense RNA; plus strand), LOC126862501 (CDK7 strongly-dependent group 2 enhancer GRCh37_chr17:10446256-10447455; plus strand). Cytogenetic location: 17p13.1.
Variant type: single nucleotide variant.
Coding change: c.760C>A on transcript NM_017534.6 (MANE Select); coding-DNA position 760, C replaced by A.
Protein change: p.His254Asn; replaces histidine 254 with asparagine.
Molecular consequence: missense variant.
Genome position (GRCh38, 1-based): chr17:10,543,143, G>T on the plus strand (C>A on the coding strand, the complement: MYH2 is on the minus strand). VCF-style: chr17-10543143-G-T. GRCh37 (hg19) VCF-style: chr17-10446460-G-T.
Other names: c.760C>A, p.His254Asn (NM_001100112.2); short protein forms H254N.
Identifiers: ClinVar variation 1312774 (VCV001312774.2), dbSNP rs2142318400, ClinGen allele CA398167357.